The following is an entry in ClinVar:

ClinVar aggregate classification (germline): Uncertain significance (1 of 4 stars; one submission).

Conditions:
Werner syndrome (WRN). Identifiers: Orphanet 902, MedGen C0043119, MONDO:0010196, OMIM 277700.

Submission:

Labcorp Genetics (formerly Invitae), Labcorp
Classification: Uncertain significance for Werner syndrome. Last evaluated: 2022-10-24. Review status: criteria provided, single submitter. Criteria: Invitae Variant Classification Sherloc (09022015). Collection method: clinical testing. Allele origin: germline.
Comment: In summary, the available evidence is currently insufficient to determine the role of this variant in disease. Therefore, it has been classified as a Variant of Uncertain Significance. This variant, c.803_808dup, results in the insertion of 2 amino acid(s) of the WRN protein (p.Leu268_Pro269dup), but otherwise preserves the integrity of the reading frame. This variant is not present in population databases (gnomAD no frequency). This variant has not been reported in the literature in individuals affected with WRN-related conditions. ClinVar contains an entry for this variant (Variation ID: 528129). Experimental studies and prediction algorithms are not available or were not evaluated, and the functional significance of this variant is currently unknown.

NM_000553.6(WRN):c.803_808dup (p.Leu268_Pro269dup)

Gene: WRN (WRN RecQ like helicase; plus strand). Cytogenetic location: 8p12.
Variant type: Duplication.
Coding change: c.803_808dup on transcript NM_000553.6 (MANE Select); coding-DNA positions 803 to 808, 6 bases duplicated (TTCCTC; older notation c.803_808dupTTCCTC).
Protein change: p.Leu268_Pro269dup.
Molecular consequence: inframe insertion.
Genome position (GRCh38, 1-based): chr8:31,076,251-31,076,256, TTCCTC duplicated; duplicating any 6 consecutive bases within chr8:31,076,249-31,076,256 gives the same sequence; the c. name uses the placement nearest the transcript's 3' end. VCF-style (leftmost placement, unchanged base first): chr8-31076248-A-ATCTTCC. GRCh37 (hg19) VCF-style: chr8-30933764-A-ATCTTCC.
Other names: c.803_808dupTTCCTC (NM_000553.4).
Identifiers: ClinVar variation 528129 (VCV000528129.7), dbSNP rs1431238343, ClinGen allele CA658797078.
Genomic context (GRCh38, chr8:31,076,248, plus strand): 5'-TTAGCGACATGAACAAACAGTTGACTTCAATCTCTGAGGAAGTGATGGATCTGGCTAAGC[A>ATCTTCC]TCTTCCTCATGCTTTCAGTAAATTGGAAAACCCACGGAGGTTAAATATTACCTTTTTTTT-3'